The following is an entry in ClinVar:

NM_020365.5(EIF2B3):c.266C>A (p.Ser89Tyr)

Gene: EIF2B3 (eukaryotic translation initiation factor 2B subunit gamma; minus strand). Cytogenetic location: 1p34.1.
Variant type: single nucleotide variant.
Coding change: c.266C>A on transcript NM_020365.5 (MANE Select); coding-DNA position 266, C replaced by A.
Protein change: p.Ser89Tyr; replaces serine 89 with tyrosine.
Molecular consequence: missense variant.
Genome position (GRCh38, 1-based): chr1:44,978,343, G>T on the plus strand (C>A on the coding strand, the complement: EIF2B3 is on the minus strand). VCF-style: chr1-44978343-G-T. GRCh37 (hg19) VCF-style: chr1-45444015-G-T.
Other names: c.266C>A, p.Ser89Tyr (NM_001166588.3, NM_001261418.2); short protein forms S89Y.
Identifiers: ClinVar variation 4813330 (VCV004813330.1).

ClinVar aggregate classification (germline): Likely pathogenic (1 of 4 stars; one submission).

Conditions:
Vanishing white matter disease. Also called: CACH syndrome; Childhood ataxia with diffuse central nervous system hypomyelination; Leukoencephalopathy with vanishing white matter; CACH/VWM syndrome; Cree leukoencehalopathy. Identifiers: Orphanet 135, Orphanet 99853, MedGen C1858991, MONDO:0800448.

Submission:

Clinical Genetics Laboratory, Skane University Hospital Lund
Classification: Likely pathogenic for Vanishing white matter disease. Last evaluated: 2026-03-16. Review status: criteria provided, single submitter. Criteria: ACMG Guidelines, 2015. Collection method: clinical testing. Allele origin: germline. Inheritance: Autosomal recessive inheritance. Affected: yes.
Comment: PM2, PM3_supporting, PP1, PP3 and PP4_strong.